The following is an entry in ClinVar:

NM_005591.4(MRE11):c.1550A>C (p.Asp517Ala)

Gene: MRE11 (MRE11 double strand break repair nuclease; minus strand). Cytogenetic location: 11q21.
Variant type: single nucleotide variant.
Coding change: c.1550A>C on transcript NM_005591.4 (MANE Select); coding-DNA position 1550, A replaced by C.
Protein change: p.Asp517Ala; replaces aspartic acid 517 with alanine.
Molecular consequence: missense variant.
Genome position (GRCh38, 1-based): chr11:94,456,289, T>G on the plus strand (A>C on the coding strand, the complement: MRE11 is on the minus strand). VCF-style: chr11-94456289-T-G. GRCh37 (hg19) VCF-style: chr11-94189455-T-G.
Other names: c.1550A>C, p.Asp517Ala (NM_001330347.2, NM_005590.4); short protein forms D517A.
Identifiers: ClinVar variation 2747851 (VCV002747851.4), dbSNP rs1329240039, ClinGen allele CA382370696.
Genomic context (GRCh38, chr11:94,456,289, plus strand): 5'-TTAAGAAAGTGATATATAAACACAAGAATTTGCAGCAGAATAATTACCTCACGGACTTCA[T>G]CATCTTCTTCATTAGTATTTTTTTGTCTGGTTTCTCTGAAACGACGTACCTAGATCATAA-3'
Protein context (NP_005582.1, residues 507-527): TRQKNTNEED[Asp517Ala]EVREAMTRAR

ClinVar aggregate classification (germline): Uncertain significance. Review status: criteria provided, multiple submitters, no conflicts (2 of 4 stars). 2 submissions from 2 submitters: Uncertain significance (2). Last evaluated 2025-08-23.

Conditions:
Hereditary cancer-predisposing syndrome. Also called: Hereditary Cancer Syndrome; Neoplastic Syndromes, Hereditary; Tumor predisposition; Hereditary neoplastic syndrome. Identifiers: Orphanet 140162, MedGen C0027672, MeSH D009386, MONDO:0015356.
Ataxia-telangiectasia-like disorder (ATLD). Identifiers: MedGen C1858391, MONDO:0011457.

Submissions (2):

Ambry Genetics
Classification: Uncertain significance for Hereditary cancer-predisposing syndrome. Last evaluated: 2025-08-23. Review status: criteria provided, single submitter. Criteria: Ambry Variant Classification Scheme 2023. Collection method: clinical testing. Allele origin: germline.
Comment: The p.D517A variant (also known as c.1550A>C), located in coding exon 13 of the MRE11A gene, results from an A to C substitution at nucleotide position 1550. The aspartic acid at codon 517 is replaced by alanine, an amino acid with dissimilar properties. This amino acid position is conserved. In addition, this alteration is predicted to be tolerated by in silico analysis. Based on the available evidence, the clinical significance of this variant remains unclear.

Labcorp Genetics (formerly Invitae), Labcorp
Classification: Uncertain significance for Ataxia-telangiectasia-like disorder. Last evaluated: 2023-10-13. Review status: criteria provided, single submitter. Criteria: Invitae Variant Classification Sherloc (09022015). Collection method: clinical testing. Allele origin: germline.
Comment: This sequence change replaces aspartic acid, which is acidic and polar, with alanine, which is neutral and non-polar, at codon 517 of the MRE11 protein (p.Asp517Ala). This variant is not present in population databases (gnomAD no frequency). This variant has not been reported in the literature in individuals affected with MRE11-related conditions. An algorithm developed to predict the effect of missense changes on protein structure and function (PolyPhen-2) suggests that this variant is likely to be tolerated. In summary, the available evidence is currently insufficient to determine the role of this variant in disease. Therefore, it has been classified as a Variant of Uncertain Significance.